The following is an entry in ClinVar:

NM_016203.4(PRKAG2):c.1438-3C>T

Gene: PRKAG2 (protein kinase AMP-activated non-catalytic subunit gamma 2; minus strand). Cytogenetic location: 7q36.1.
Variant type: single nucleotide variant.
Coding change: c.1438-3C>T on transcript NM_016203.4 (MANE Select); 3 bases into the intron before coding-DNA position 1438, C replaced by T.
Molecular consequence: intron variant.
Genome position (GRCh38, 1-based): chr7:151,564,227, G>A on the plus strand (C>T on the coding strand, the complement: PRKAG2 is on the minus strand). VCF-style: chr7-151564227-G-A. GRCh37 (hg19) VCF-style: chr7-151261313-G-A.
Other names: c.1147-3C>T (NM_001407031.1); c.1150-3C>T (NM_001407030.1); c.1435-3C>T (NM_001407023.1, NM_001407022.1); c.1438-3C>T (NM_001407021.1); c.1120-3C>T (NM_001407032.1); c.1303-3C>T (NM_001407026.1, NM_001407027.1); c.1306-3C>T (NM_001040633.2, NM_001407024.1); c.1114-3C>T (NM_001407033.1); and 6 more.
Identifiers: ClinVar variation 3074254 (VCV003074254.5), dbSNP rs773864390, ClinGen allele CA1752719545.

ClinVar aggregate classification (germline): Likely benign. Review status: criteria provided, multiple submitters, no conflicts (2 of 4 stars). 2 submissions from 2 submitters: Likely benign (2). Last evaluated 2026-03-01.

Conditions:
Hypertrophic cardiomyopathy. Also called: HYPERTROPHIC MYOCARDIOPATHY. Identifiers: Orphanet 217569, MedGen C0007194, MeSH D002312, MONDO:0005045, HP:0001639.

gnomAD v4.1: 1 of 1,614,028 alleles (0.000062%); highest among the groups gnomAD compares: Admixed American, 0.0017%; no homozygotes.

Submissions (2):

CeGaT Center for Human Genetics Tuebingen
Classification: Likely benign. Last evaluated: 2026-03-01. Review status: criteria provided, single submitter. Criteria: CeGaT Center For Human Genetics Tuebingen Variant Classification Criteria Version 2. Collection method: clinical testing. Allele origin: germline. Affected: yes. Observed: 1 variant allele.
Comment: PRKAG2: BP4

All of Us Research Program, National Institutes of Health
Classification: Likely benign for Hypertrophic cardiomyopathy. Last evaluated: 2023-11-02. Review status: criteria provided, single submitter. Criteria: ACMG Guidelines, 2015. Collection method: clinical testing. Allele origin: germline. Inheritance: Autosomal dominant inheritance. Observed: 1 variant allele, 1 heterozygote.
Comment: This study involves interpretation of variants in research participants for the purpose of population health screening. Participant phenotype was not available at the time of variant classification. Additional details can be found in publication PMID: 35346344, PMCID: PMC8962531